The following is an entry in ClinVar:

ClinVar aggregate classification (germline): Uncertain significance (1 of 4 stars; one submission).

Submission:

Labcorp Genetics (formerly Invitae), Labcorp
Classification: Uncertain significance. Last evaluated: 2023-09-06. Review status: criteria provided, single submitter. Criteria: Invitae Variant Classification Sherloc (09022015). Collection method: clinical testing. Allele origin: germline.
Comment: This sequence change replaces lysine, which is basic and polar, with methionine, which is neutral and non-polar, at codon 207 of the TOP2B protein (p.Lys207Met). This variant is not present in population databases (gnomAD no frequency). This variant has not been reported in the literature in individuals affected with TOP2B-related conditions. An algorithm developed to predict the effect of missense changes on protein structure and function (PolyPhen-2) suggests that this variant is likely to be disruptive. In summary, the available evidence is currently insufficient to determine the role of this variant in disease. Therefore, it has been classified as a Variant of Uncertain Significance.

NM_001330700.2(TOP2B):c.635A>T (p.Lys212Met)

Gene: TOP2B (DNA topoisomerase II beta; minus strand). Cytogenetic location: 3p24.2.
Variant type: single nucleotide variant.
Coding change: c.635A>T on transcript NM_001330700.2 (MANE Select); coding-DNA position 635, A replaced by T.
Protein change: p.Lys212Met; replaces lysine 212 with methionine.
Molecular consequence: missense variant.
Genome position (GRCh38, 1-based): chr3:25,637,219, T>A on the plus strand (A>T on the coding strand, the complement: TOP2B is on the minus strand). VCF-style: chr3-25637219-T-A. GRCh37 (hg19) VCF-style: chr3-25678710-T-A.
Other names: c.620A>T, p.Lys207Met (NM_001068.3); short protein forms K207M, K212M.
Identifiers: ClinVar variation 2756285 (VCV002756285.3), dbSNP rs2125386803, ClinGen allele CA351912441.